The following is an entry in ClinVar:

NM_001165963.4(SCN1A):c.2883_2892del (p.Glu961fs)

Gene: SCN1A (sodium voltage-gated channel alpha subunit 1; minus strand). Cytogenetic location: 2q24.3.
Variant type: Deletion.
Coding change: c.2883_2892del on transcript NM_001165963.4 (MANE Select); coding-DNA positions 2883 to 2892, 10 bases deleted (GGTTGCTGGT; older notation c.2883_2892delGGTTGCTGGT).
Protein change: p.Glu961fs; shifts the reading frame from glutamic acid 961.
Molecular consequence: frameshift variant. On other transcripts: non-coding transcript variant (1).
Genome position (GRCh38, 1-based): chr2:166,037,830-166,037,839, ACCAGCAACC deleted on the plus strand (GGTTGCTGGT on the coding strand, the reverse complement: SCN1A is on the minus strand). VCF-style (leftmost placement, unchanged base first): chr2-166037829-GACCAGCAACC-G. GRCh37 (hg19) VCF-style: chr2-166894339-GACCAGCAACC-G.
Other names: c.2799_2808del, p.Glu933fs (NM_001165964.3, NM_001353957.2, NM_001353958.2); c.2883_2892del, p.Glu961fs (NM_001202435.3, NM_001353948.2); c.2850_2859del, p.Glu950fs (NM_001353949.2, NM_001353950.2, NM_001353951.2 and 2 more transcripts); c.2847_2856del, p.Glu949fs (NM_001353954.2, NM_001353955.2); c.2796_2805del, p.Glu932fs (NM_001353960.2); c.441_450del, p.Glu147fs (NM_001353961.2); short protein forms E933fs, E961fs, E932fs, E949fs, E950fs, E147fs.
Identifiers: ClinVar variation 966995 (VCV000966995.8), dbSNP rs1696611932, ClinGen allele CA1139657313.
Genomic context (GRCh38, chr2:166,037,829, plus strand): 5'-TACATACCACTAGGTTTCCAATCACCATGACCATCATGAAGACAGTAAGGCACATGGCTT[GACCAGCAACC>G]TCCATACAGTCCCACATGGTCTCTATCCACTCCCCACACAGCACGCGGAACACAATCAGG-3'

ClinVar aggregate classification (germline): Pathogenic (1 of 4 stars; one submission).

Conditions:
Early-infantile DEE. Also called: Ohtahara syndrome; Early infantile epileptic encephalopathy with suppression bursts; Early infantile epileptic encephalopathy. Identifiers: Orphanet 1934, MedGen C0393706, MONDO:0800491.

Submission:

Labcorp Genetics (formerly Invitae), Labcorp
Classification: Pathogenic for Early-infantile DEE. Last evaluated: 2019-11-13. Review status: criteria provided, single submitter. Criteria: Invitae Variant Classification Sherloc (09022015). Collection method: clinical testing. Allele origin: germline.
Comment: For these reasons, this variant has been classified as Pathogenic. Loss-of-function variants in SCN1A are known to be pathogenic (PMID: 17347258, 18930999). This variant has not been reported in the literature in individuals with SCN1A-related conditions. This variant is not present in population databases (ExAC no frequency). This sequence change creates a premature translational stop signal (p.Glu961Aspfs*10) in the SCN1A gene. It is expected to result in an absent or disrupted protein product.

Literature cited by the submitters: PubMed 17347258; PubMed 18930999.